The following is an entry in ClinVar:

NM_001130144.3(LTBP3):c.3559C>T (p.Pro1187Ser)

Gene: LTBP3 (latent transforming growth factor beta binding protein 3; minus strand). Cytogenetic location: 11q13.1.
Variant type: single nucleotide variant.
Coding change: c.3559C>T on transcript NM_001130144.3 (MANE Select); coding-DNA position 3559, C replaced by T.
Protein change: p.Pro1187Ser; replaces proline 1187 with serine.
Molecular consequence: missense variant.
Genome position (GRCh38, 1-based): chr11:65,539,617, G>A on the plus strand (C>T on the coding strand, the complement: LTBP3 is on the minus strand). VCF-style: chr11-65539617-G-A. GRCh37 (hg19) VCF-style: chr11-65307088-G-A.
Other names: c.3067C>T, p.Pro1023Ser (NM_001164266.1); c.3418C>T, p.Pro1140Ser (NM_021070.4); short protein forms P1023S, P1140S, P1187S.
Identifiers: ClinVar variation 4859321 (VCV004859321.1).

ClinVar aggregate classification (germline): Uncertain significance (1 of 4 stars; one submission).

Conditions:
Inborn genetic diseases. Identifiers: MedGen C0950123, MeSH D030342.

Submission:

Ambry Genetics
Classification: Uncertain significance for Inborn genetic diseases. Last evaluated: 2026-06-01. Review status: criteria provided, single submitter. Criteria: Ambry Variant Classification Scheme 2023. Collection method: clinical testing. Allele origin: germline.
Comment: The p.P1187S variant (also known as c.3559C>T), located in coding exon 26 of the LTBP3 gene, results from a C to T substitution at nucleotide position 3559. The proline at codon 1187 is replaced by serine, an amino acid with similar properties. This amino acid position is conserved. In addition, the in silico prediction for this alteration is inconclusive. Based on the available evidence, the clinical significance of this variant remains unclear.